The following is an entry in ClinVar:

ClinVar aggregate classification (germline): Uncertain significance. Review status: criteria provided, multiple submitters, no conflicts (2 of 4 stars). 2 submissions from 2 submitters: Uncertain significance (2). Last evaluated 2025-08-01.

Conditions:
Primary ciliary dyskinesia. Also called: Ciliary dyskinesia. Identifiers: Orphanet 244, MedGen C0008780, MONDO:0016575, HP:0012265.

gnomAD v4.1: 89 of 1,612,904 alleles (0.0055%); highest among the groups gnomAD compares: Non-Finnish European, 0.007%; no homozygotes.

Submissions (2):

CeGaT Center for Human Genetics Tuebingen
Classification: Uncertain significance. Last evaluated: 2025-08-01. Review status: criteria provided, single submitter. Criteria: CeGaT Center For Human Genetics Tuebingen Variant Classification Criteria Version 2. Collection method: clinical testing. Allele origin: germline. Affected: yes. Observed: 1 variant allele.
Comment: DNAH8: PM2, BP4

Labcorp Genetics (formerly Invitae), Labcorp
Classification: Uncertain significance for Primary ciliary dyskinesia. Last evaluated: 2021-10-11. Review status: criteria provided, single submitter. Criteria: Invitae Variant Classification Sherloc (09022015). Collection method: clinical testing. Allele origin: germline.
Comment: This sequence change replaces histidine with glutamine at codon 1923 of the DNAH8 protein (p.His1923Gln). The histidine residue is moderately conserved and there is a small physicochemical difference between histidine and glutamine. This variant is present in population databases (rs2061907, ExAC 0.003%). This variant has not been reported in the literature in individuals affected with DNAH8-related conditions. Algorithms developed to predict the effect of missense changes on protein structure and function are either unavailable or do not agree on the potential impact of this missense change (SIFT: "Tolerated"; PolyPhen-2: "Not Available"; Align-GVGD: "Class C0"). In summary, the available evidence is currently insufficient to determine the role of this variant in disease. Therefore, it has been classified as a Variant of Uncertain Significance.

NM_001206927.2(DNAH8):c.5769C>A (p.His1923Gln)

Gene: DNAH8 (dynein axonemal heavy chain 8; plus strand). Cytogenetic location: 6p21.2.
Variant type: single nucleotide variant.
Coding change: c.5769C>A on transcript NM_001206927.2 (MANE Select); coding-DNA position 5769, C replaced by A.
Protein change: p.His1923Gln; replaces histidine 1923 with glutamine.
Molecular consequence: missense variant.
Genome position (GRCh38, 1-based): chr6:38,857,553, C>A. VCF-style: chr6-38857553-C-A. GRCh37 (hg19) VCF-style: chr6-38825329-C-A.
Other names: c.5118C>A, p.His1706Gln (NM_001371.4); short protein forms H1923Q, H1706Q.
Identifiers: ClinVar variation 454584 (VCV000454584.12), dbSNP rs2061907, ClinGen allele CA3789479.
Genomic context (GRCh38, chr6:38,857,553, plus strand): 5'-TAATATTTTTCTGCTGGATCTGTAGGTTGGACTTCTGGGAATTCAGATGTTGTGGACACA[C>A]GATTCAGAAGAGGCTTTACGTAATGCAAAAGATGACAGGAAAATCATGCAAGTGACCAAT-3'
Protein context (NP_001193856.1, residues 1913-1933): GLLGIQMLWT[His1923Gln]DSEEALRNAK